The following is an entry in ClinVar:

ClinVar aggregate classification (germline): Likely pathogenic. Review status: reviewed by expert panel (3 of 4 stars). 2 submissions from 2 submitters: Likely pathogenic (1). 1 of the submissions does not count toward it. Last evaluated 2023-08-02.

Conditions:
CDH1-related diffuse gastric and lobular breast cancer syndrome. Also called: CDH1-related diffuse gastric and lobular breast cancer. Identifiers: MedGen CN311521, MONDO:0100488.
Hereditary diffuse gastric adenocarcinoma (HDGC). Also called: DIFFUSE GASTRIC AND LOBULAR BREAST CANCER SYNDROME. Identifiers: Orphanet 26106, MedGen C1708349, MONDO:0007648, OMIM 137215.

Submissions (2):

Clingen Gastric Cancer Variant Curation Expert Panel
Classification: Likely pathogenic for CDH1-related diffuse gastric and lobular breast cancer syndrome. Last evaluated: 2023-08-02. Review status: reviewed by expert panel. Criteria: ClinGen CDH1 ACMG Specifications V3.1. Collection method: curation. Allele origin: germline. Inheritance: Autosomal dominant inheritance.
Comment: The NM_004360.5:c.2387_2406del (p.Arg796GlnfsTer4) variant in CDH1 is a frameshift variant that may cause a premature stop codon that is predicted to escape nonsense mediated decay. However, this truncated region is critical to protein function and located upstream the most 3' well-characterized pathogenic variant c.2506G>T (pGlu836Ter) (PVS1_Strong, PM5_Supporting; PMID: 29798843, ClinVar Variation ID: 479504). This variant is absent in gnomAD 2.1.1 (PM2_Supporting). In summary, this variant meets the criteria to be classified as likely pathogenic for DGLBCS based on the ACMG/AMP criteria applied, as specified by the ClinGen CDH1 VCEP: PVS1_Strong, PM5_Supporting, PM2_Supporting. (CDH1 VCEP specifications version 3.1)

Labcorp Genetics (formerly Invitae), Labcorp
Classification: Pathogenic for Hereditary diffuse gastric adenocarcinoma. Last evaluated: 2017-11-27. Review status: criteria provided, single submitter. Criteria: Invitae Variant Classification Sherloc (09022015). Collection method: clinical testing. Allele origin: germline. Not counted in ClinVar's aggregate classification.
Comment: For these reasons, this variant has been classified as Pathogenic. This variant is expected to disrupt the C-terminal portion of the cytoplasmic domain of the CDH1 (E-cadherin) protein, which includes the PIP5K1C (phosphatidylinositol phosphate kinase, type I gamma) binding domain (residues Leu830-Ser847) and the CTNNB1 (beta-catenin) binding domain (residues Val832-Tyr861) (PMID: 22850631). Although functional studies have not been performed for this particular variant, loss of these domains is expected to disrupt normal CDH1 function. This suggests that disruption of this region of the CDH1 protein is causative of disease. This variant has not been reported in the literature in individuals with CDH1-related disease. This variant is not present in population databases (ExAC no frequency). This sequence change results in a premature translational stop signal in the CDH1 gene (p.Arg796Glnfs*4). While this is not anticipated to result in nonsense mediated decay, it is expected to disrupt the last 87 amino acids of the CDH1 protein.

Literature cited by the submitters: PubMed 22850631 (cited by Labcorp Genetics (formerly Invitae), Labcorp).

NM_004360.5(CDH1):c.2387_2406del (p.Arg796fs)

Gene: CDH1 (cadherin 1; plus strand). Cytogenetic location: 16q22.1.
Variant type: Deletion.
Coding change: c.2387_2406del on transcript NM_004360.5 (MANE Select); coding-DNA positions 2387 to 2406, 20 bases deleted (GGTATCTTCCCCGCCCTGCC).
Protein change: p.Arg796fs; shifts the reading frame from arginine 796.
Molecular consequence: frameshift variant.
Genome position (GRCh38, 1-based): chr16:68,829,745-68,829,764, GGTATCTTCCCCGCCCTGCC deleted; deleting any 20 consecutive bases within chr16:68,829,743-68,829,764 gives the same sequence; the c. name uses the placement nearest the transcript's 3' end. VCF-style (leftmost placement, unchanged base first): chr16-68829742-CCCGGTATCTTCCCCGCCCTG-C. GRCh37 (hg19) VCF-style: chr16-68863645-CCCGGTATCTTCCCCGCCCTG-C.
Other names: NM_004360.5(CDH1):c.2387_2406del; p.Arg796fs; c.2387_2406del (LRG_301t1); c.2204_2223del, p.Arg735fs (NM_001317184.2); c.839_858del, p.Arg280fs (NM_001317185.2); c.422_441del, p.Arg141fs (NM_001317186.2); short protein forms R141fs, R280fs, R735fs, R796fs.
Identifiers: ClinVar variation 532446 (VCV000532446.10), dbSNP rs1555517889, ClinGen allele CA658798634.
Genomic context (GRCh38, chr16:68,829,742, plus strand): 5'-GCCTGGACGCTCGGCCTGAAGTGACTCGTAACGACGTTGCACCAACCCTCATGAGTGTCC[CCCGGTATCTTCCCCGCCCTG>C]CCAATCCCGATGAAATTGGAAATTTTATTGATGAAGTAAGTAATCCACGTGGAAAGCCAA-3'